The following is an entry in ClinVar:

NM_031844.3(HNRNPU):c.322GAG[1] (p.Glu109del)

Gene: HNRNPU (heterogeneous nuclear ribonucleoprotein U; minus strand). Cytogenetic location: 1q44.
Variant type: Microsatellite.
Coding change: c.322GAG[1] on transcript NM_031844.3 (MANE Select); one copy of the 3-base unit GAG starting at c.322; the reference has two copies in a row; one copy, 3 bases deleted.
Protein change: p.Glu109del; deletes glutamic acid 109.
Genome position (GRCh38, 1-based): chr1:244,863,981-244,863,983, CTC deleted on the plus strand (GAG on the coding strand, the reverse complement: HNRNPU is on the minus strand); deleting any 3 consecutive bases within chr1:244,863,981-244,863,986 gives the same sequence; the position shown is the placement nearest the transcript's 3' end. VCF-style (leftmost placement, unchanged base first): chr1-244863980-TCTC-T. GRCh37 (hg19) VCF-style: chr1-245027282-TCTC-T.
Other names: c.322GAG[1], p.Glu109del (NM_004501.3); short protein forms E109del.
Identifiers: ClinVar variation 3692886 (VCV003692886.2).

ClinVar aggregate classification (germline): Uncertain significance (1 of 4 stars; one submission).

Conditions:
Developmental and epileptic encephalopathy, 54. Also called: HNRNPU-Related Neurodevelopmental Disorder; Epileptic encephalopathy, early infantile, 54. Identifiers: MedGen C4479319, MONDO:0033363, OMIM 617391.

Submission:

Labcorp Genetics (formerly Invitae), Labcorp
Classification: Uncertain significance for Developmental and epileptic encephalopathy, 54. Last evaluated: 2024-08-28. Review status: criteria provided, single submitter. Criteria: Invitae Variant Classification Sherloc (09022015). Collection method: clinical testing. Allele origin: germline.
Comment: This variant, c.325_327del, results in the deletion of 1 amino acid(s) of the HNRNPU protein (p.Glu109del), but otherwise preserves the integrity of the reading frame. This variant is not present in population databases (gnomAD no frequency). This variant has not been reported in the literature in individuals affected with HNRNPU-related conditions. Experimental studies and prediction algorithms are not available or were not evaluated, and the functional significance of this variant is currently unknown. In summary, the available evidence is currently insufficient to determine the role of this variant in disease. Therefore, it has been classified as a Variant of Uncertain Significance.